The following is an entry in ClinVar:

NM_001369.3(DNAH5):c.3320A>T (p.Tyr1107Phe)

Genes: DNAH5-AS1 (DNAH5 antisense RNA 1; plus strand), DNAH5 (dynein axonemal heavy chain 5; minus strand). Cytogenetic location: 5p15.2.
Variant type: single nucleotide variant.
Coding change: c.3320A>T on transcript NM_001369.3 (MANE Select); coding-DNA position 3320, A replaced by T.
Protein change: p.Tyr1107Phe; replaces tyrosine 1107 with phenylalanine.
Molecular consequence: missense variant.
Genome position (GRCh38, 1-based): chr5:13,876,760, T>A on the plus strand (A>T on the coding strand, the complement: DNAH5 is on the minus strand). VCF-style: chr5-13876760-T-A. GRCh37 (hg19) VCF-style: chr5-13876869-T-A.
Other names: short protein forms Y1107F.
Identifiers: ClinVar variation 450766 (VCV000450766.18), dbSNP rs367913308, ClinGen allele CA3204309.

ClinVar aggregate classification (germline): Conflicting classifications of pathogenicity. Review status: criteria provided, conflicting classifications (1 of 4 stars). 3 submissions from 3 submitters: Uncertain significance (1); Likely benign (1). 1 of the submissions does not count toward it. Last evaluated 2025-10-22.

Conditions:
DNAH5-related disorder. Also called: DNAH5-related condition.
Primary ciliary dyskinesia. Also called: Ciliary dyskinesia. Identifiers: Orphanet 244, MedGen C0008780, MONDO:0016575, HP:0012265.

Allele frequency attached by ClinVar (database versions not stated): gnomAD 0.00003 and 0.00013; TOPMed 0.00006; ESP Exome Variant Server 0.00008; gnomAD exomes 0.00035; ExAC 0.00043; 1000 Genomes Project 30x 0.00094; 1000 Genomes Project 0.00120.
gnomAD v4.1: 251 of 1,613,830 alleles (0.016%); highest among the groups gnomAD compares: South Asian, 0.26%; no homozygotes.

Submissions (3):

Labcorp Genetics (formerly Invitae), Labcorp
Classification: Likely benign for Primary ciliary dyskinesia. Last evaluated: 2025-10-22. Review status: criteria provided, single submitter. Criteria: Invitae Variant Classification Sherloc (09022015). Collection method: clinical testing. Allele origin: germline.

GeneDx
Classification: Uncertain significance. Last evaluated: 2024-06-11. Review status: criteria provided, single submitter. Criteria: GeneDx Variant Classification Process June 2021. Collection method: clinical testing. Allele origin: germline. Affected: yes.
Comment: In silico analysis supports that this missense variant does not alter protein structure/function; Has not been previously published as pathogenic or benign to our knowledge

PreventionGenetics, part of Exact Sciences
Classification: Likely benign for DNAH5-related condition. Last evaluated: 2023-06-23. Review status: no assertion criteria provided. Collection method: clinical testing. Allele origin: germline. Not counted in ClinVar's aggregate classification.
Comment: This variant is classified as likely benign based on ACMG/AMP sequence variant interpretation guidelines (Richards et al. 2015 PMID: 25741868, with internal and published modifications).